The following is an entry in ClinVar:

ClinVar aggregate classification (germline): Pathogenic (1 of 4 stars; one submission).

Conditions:
Ehlers-Danlos syndrome, classic type, 1 (EDSCL1). Also called: Ehlers-Danlos Syndrome, Classic Type, COL5A1-Related; EHLERS-DANLOS SYNDROME, GRAVIS TYPE; EHLERS-DANLOS SYNDROME, SEVERE CLASSIC TYPE; Ehlers-Danlos syndrome, type 1; EDS I. Identifiers: MedGen C0268335, MONDO:0019567, OMIM 130000.
Osteogenesis imperfecta type I (OI1). Also called: OI, TYPE I; OSTEOGENESIS IMPERFECTA TARDA; OSTEOGENESIS IMPERFECTA WITH BLUE SCLERAE; Osteogenesis imperfecta type 1; Classic Non-deforming Osteogenesis Imperfecta with Blue Sclerae; Lobstein's Disease. Identifiers: Orphanet 216796, Orphanet 666, MedGen C0023931, MONDO:0008146, OMIM 166200. Disease mechanism: loss of function.

Submission:

Labcorp Genetics (formerly Invitae), Labcorp
Classification: Pathogenic for Osteogenesis imperfecta type I; Ehlers-Danlos syndrome, classic type, 1. Last evaluated: 2024-02-23. Review status: criteria provided, single submitter. Criteria: Invitae Variant Classification Sherloc (09022015). Collection method: clinical testing. Allele origin: germline.
Comment: This sequence change replaces glycine, which is neutral and non-polar, with aspartic acid, which is acidic and polar, at codon 859 of the COL1A2 protein (p.Gly859Asp). This variant is not present in population databases (gnomAD no frequency). This missense change has been observed in individual(s) with clinical features of osteogenesis imperfecta (Invitae). ClinVar contains an entry for this variant (Variation ID: 2152038). Advanced modeling of protein sequence and biophysical properties (such as structural, functional, and spatial information, amino acid conservation, physicochemical variation, residue mobility, and thermodynamic stability) performed at Invitae indicates that this missense variant is expected to disrupt COL1A2 protein function with a positive predictive value of 95%. This variant disrupts the triple helix domain of COL1A2. Glycine residues within the Gly-Xaa-Yaa repeats of the triple helix domain are required for the structure and stability of fibrillar collagens (PMID: 7695699, 8218237, 19344236). In COL1A2, variants affecting these glycine residues are significantly enriched in individuals with disease (PMID: 9016532, 17078022) compared to the general population (ExAC). This variant disrupts the p.Gly859 amino acid residue in COL1A2. Other variant(s) that disrupt this residue have been observed in individuals with COL1A2-related conditions (PMID: 15241796), which suggests that this may be a clinically significant amino acid residue. For these reasons, this variant has been classified as Pathogenic.

Literature cited by the submitters: PubMed 7695699; PubMed 8218237; PubMed 19344236; PubMed 9016532; PubMed 17078022; PubMed 15241796.

NM_000089.4(COL1A2):c.2576G>A (p.Gly859Asp)

Gene: COL1A2 (collagen type I alpha 2 chain; plus strand). Cytogenetic location: 7q21.3.
Variant type: single nucleotide variant.
Coding change: c.2576G>A on transcript NM_000089.4 (MANE Select); coding-DNA position 2576, G replaced by A.
Protein change: p.Gly859Asp; replaces glycine 859 with aspartic acid.
Molecular consequence: missense variant.
Genome position (GRCh38, 1-based): chr7:94,424,346, G>A. VCF-style: chr7-94424346-G-A. GRCh37 (hg19) VCF-style: chr7-94053658-G-A.
Other names: short protein forms G859D.
Identifiers: ClinVar variation 2152038 (VCV002152038.4), dbSNP rs2484731890, ClinGen allele CA368224198.